The following is an entry in ClinVar:

ClinVar aggregate classification (germline): Uncertain significance (1 of 4 stars; one submission).

Submission:

CeGaT Center for Human Genetics Tuebingen
Classification: Uncertain significance. Last evaluated: 2023-12-01. Review status: criteria provided, single submitter. Criteria: CeGaT Center For Human Genetics Tuebingen Variant Classification Criteria Version 2. Collection method: clinical testing. Allele origin: germline. Affected: yes. Observed: 1 variant allele.
Comment: GLIS3: PM2

NM_001042413.2(GLIS3):c.2474-1G>C

Gene: GLIS3 (GLIS family zinc finger 3; minus strand). Cytogenetic location: 9p24.2.
Variant type: single nucleotide variant.
Coding change: c.2474-1G>C on transcript NM_001042413.2 (MANE Select); the canonical splice acceptor site of the intron before coding-DNA position 2474, G replaced by C.
Molecular consequence: splice acceptor variant.
Genome position (GRCh38, 1-based): chr9:3,829,493, C>G on the plus strand (G>C on the coding strand, the complement: GLIS3 is on the minus strand). VCF-style: chr9-3829493-C-G. GRCh37 (hg19) VCF-style: chr9-3829493-C-G.
Other names: c.2009-1G>C (NM_152629.4).
Identifiers: ClinVar variation 3026165 (VCV003026165.22), dbSNP rs1817923722, ClinGen allele CA372804576.
Genomic context (GRCh38, chr9:3,829,493, plus strand): 5'-CAATTCTCTGGGAATCGGGGTAGTGTGGGGGACAGAACTTCTGCAGCTGCCCATAAAATC[C>G]TGAAACGCAAGCATGGCATTGAGCACAAGTTCCTTTGGGCACAAGTTCCACAGATCATTC-3'